The following is an entry in ClinVar:

ClinVar aggregate classification (germline): Uncertain significance (1 of 4 stars; one submission).

Submission:

GeneDx
Classification: Uncertain significance. Last evaluated: 2025-01-30. Review status: criteria provided, single submitter. Criteria: GeneDx Variant Classification Process June 2021. Collection method: clinical testing. Allele origin: germline. Affected: yes.
Comment: Nonsense variant predicted to result in protein truncation or nonsense mediated decay in a gene or region of a gene for which loss of function is not a well-established mechanism of disease; Not observed at significant frequency in large population cohorts (gnomAD); Has not been previously published as pathogenic or benign to our knowledge; Variants in candidate genes are classified as variants of uncertain significance in accordance with ACMG guidelines (PMID: 25741868)

NM_012401.4(PLXNB2):c.3688G>T (p.Glu1230Ter)

Gene: PLXNB2 (plexin B2; minus strand). Cytogenetic location: 22q13.33.
Variant type: single nucleotide variant.
Coding change: c.3688G>T on transcript NM_012401.4 (MANE Select); coding-DNA position 3688, G replaced by T.
Protein change: p.Glu1230Ter; replaces glutamic acid 1230 with a stop codon.
Molecular consequence: nonsense.
Genome position (GRCh38, 1-based): chr22:50,281,164, C>A on the plus strand (G>T on the coding strand, the complement: PLXNB2 is on the minus strand). VCF-style: chr22-50281164-C-A. GRCh37 (hg19) VCF-style: chr22-50719593-C-A.
Other names: c.3925G>T, p.Glu1309Ter (NM_001376864.1); c.3757G>T, p.Glu1253Ter (NM_001376865.1); c.3688G>T, p.Glu1230Ter (NM_001376866.1, NM_001376867.1, NM_001376868.1 and 16 more transcripts); c.3664G>T, p.Glu1222Ter (NM_001376883.1); c.3595G>T, p.Glu1199Ter (NM_001376886.1); short protein forms E1199*, E1222*, E1230*, E1253*, E1309*.
Identifiers: ClinVar variation 4278641 (VCV004278641.1).